The following is an entry in ClinVar:

NC_000019.9:g.(?_852319)_(1226656_?)dup

Genes: ABCA7 (ATP binding cassette subfamily A member 7; plus strand), ARHGAP45 (Rho GTPase activating protein 45; plus strand), ARID3A (AT-rich interaction domain 3A; plus strand), CFD (complement factor D; plus strand), CNN2 (calponin 2; plus strand) and 11 more. Cytogenetic location: 19p13.3.
Variant type: Duplication.
Identifiers: ClinVar variation 583605 (VCV000583605.1).

ClinVar aggregate classification (germline): Uncertain significance (1 of 4 stars; one submission).

Conditions:
Peutz-Jeghers syndrome (PJS). Also called: POLYPOSIS, HAMARTOMATOUS INTESTINAL; POLYPS-AND-SPOTS SYNDROME; Peutz-Jeghers polyposis; Periorificial lentiginosis syndrome. Identifiers: Orphanet 2869, MedGen C0031269, MeSH D010580, MONDO:0008280, OMIM 175200.

Submission:

Labcorp Genetics (formerly Invitae), Labcorp
Classification: Uncertain significance for Peutz-Jeghers syndrome. Last evaluated: 2018-05-21. Review status: criteria provided, single submitter. Criteria: Invitae Variant Classification Sherloc (09022015). Collection method: clinical testing. Allele origin: germline.
Comment: This variant results in a copy number gain of the genomic region encompassing the full coding sequence of the STK11 gene. The boundaries of this event are unknown as they extend beyond the assayed region for this gene and therefore may encompass additional genes. As the precise location of this event is unknown, it may be in tandem or it may be located elsewhere in the genome. This variant has not been reported in the literature in individuals with STK11-related disease. Experimental studies and prediction algorithms are not available for this variant, and the functional significance of the duplicated amino acids is currently unknown. In summary, the available evidence is currently insufficient to determine the role of this variant in disease. Therefore, it has been classified as a Variant of Uncertain Significance.